The following is an entry in ClinVar:

ClinVar aggregate classification (germline): Likely benign (0 of 4 stars; one submission).

Conditions:
COL11A1-related disorder. Also called: COL11A1-related disorders; COL11A1-related condition.

Allele frequency attached by ClinVar (database versions not stated): TOPMed below 0.00001; gnomAD 0.00001; 1000 Genomes Project 30x 0.00016; 1000 Genomes Project 0.00020.
gnomAD v4.1: 1 of 1,611,528 alleles (0.000062%); highest among the groups gnomAD compares: Admixed American, 0.0017%; no homozygotes.

Submission:

PreventionGenetics, part of Exact Sciences
Classification: Likely benign for COL11A1-related condition. Last evaluated: 2021-04-26. Review status: no assertion criteria provided. Collection method: clinical testing. Allele origin: germline.
Comment: This variant is classified as likely benign based on ACMG/AMP sequence variant interpretation guidelines (Richards et al. 2015 PMID: 25741868, with internal and published modifications).

NM_001854.4(COL11A1):c.4071T>G (p.Gly1357=)

Gene: COL11A1 (collagen type XI alpha 1 chain; minus strand). Cytogenetic location: 1p21.1.
Variant type: single nucleotide variant.
Coding change: c.4071T>G on transcript NM_001854.4 (MANE Select); coding-DNA position 4071, T replaced by G.
Protein change: p.Gly1357=; no amino-acid change (glycine 1357 retained).
Molecular consequence: synonymous variant. On other transcripts: non-coding transcript variant (1).
Genome position (GRCh38, 1-based): chr1:102,912,174, A>C on the plus strand (T>G on the coding strand, the complement: COL11A1 is on the minus strand). VCF-style: chr1-102912174-A-C. GRCh37 (hg19) VCF-style: chr1-103377730-A-C.
Other names: c.3723T>G, p.Gly1241= (NM_001168249.1, NM_080630.4); c.3954T>G, p.Gly1318= (NM_001190709.2); c.4107T>G, p.Gly1369= (NM_080629.3).
Identifiers: ClinVar variation 3031281 (VCV003031281.2), dbSNP rs570536339, ClinGen allele CA27674430.
Genomic context (GRCh38, chr1:102,912,174, plus strand): 5'-TGACTAATGAGCATATGTTTCAAATAAAGAATTAAAGAAACTTACTCGTTTTCCAGGAGG[A>C]CCTGGTGGGCCAGCCTCACCAGATGGGCCAGGAGGACCCTATAAAATGTGAAAAAATACC-3'
Protein context (NP_001845.3, residues 1347-1367): PGPSGEAGPP[Gly1357=]PPGKRGPPGA